The following is an entry in ClinVar:

NM_001035.3(RYR2):c.2104G>A (p.Gly702Arg)

Gene: RYR2 (ryanodine receptor 2; plus strand). Cytogenetic location: 1q43.
Variant type: single nucleotide variant.
Coding change: c.2104G>A on transcript NM_001035.3 (MANE Select); coding-DNA position 2104, G replaced by A.
Protein change: p.Gly702Arg; replaces glycine 702 with arginine.
Molecular consequence: missense variant.
Genome position (GRCh38, 1-based): chr1:237,496,653, G>A. VCF-style: chr1-237496653-G-A. GRCh37 (hg19) VCF-style: chr1-237659953-G-A.
Other names: short protein forms G702R.
Identifiers: ClinVar variation 179430 (VCV000179430.25), dbSNP rs569386030, ClinGen allele CA008684.

ClinVar aggregate classification (germline): Uncertain significance. Review status: criteria provided, multiple submitters, no conflicts (2 of 4 stars). 6 submissions from 6 submitters: Uncertain significance (6). Last evaluated 2025-10-01.

Conditions:
Cardiovascular phenotype. Identifiers: MedGen CN230736.
Cardiomyopathy (CMYO). Also called: Cardiomyopathies. Identifiers: Orphanet 167848, MedGen C0878544, MONDO:0004994, HP:0001638. Inheritance: Various modes of inheritance.
Catecholaminergic polymorphic ventricular tachycardia (CVPT). Also called: Catecholamine-induced polymorphic ventricular tachycardia. Identifiers: Orphanet 3286, MedGen C5574922, MONDO:0017990.
Catecholaminergic polymorphic ventricular tachycardia 1. Also called: RYR2-Related Catecholaminergic Polymorphic Ventricular Tachycardia; VENTRICULAR TACHYCARDIA, STRESS-INDUCED POLYMORPHIC 1; VENTRICULAR TACHYCARDIA, CATECHOLAMINERGIC POLYMORPHIC, 1, WITH OR WITHOUT ATRIAL DYSFUNCTION AND/OR DILATED CARDIOMYOPATHY. Identifiers: Orphanet 3286, MedGen C1631597, MONDO:0011484, OMIM 604772.

Allele frequency attached by ClinVar (database versions not stated): TOPMed below 0.00001; gnomAD 0.00001; gnomAD exomes 0.00003 and 0.00007; ExAC 0.00004; 1000 Genomes Project 30x 0.00016; 1000 Genomes Project 0.00020.
gnomAD v4.1: 54 of 1,613,984 alleles (0.0033%); highest among the groups gnomAD compares: South Asian, 0.054%; no homozygotes.

Submissions (6):

Labcorp Genetics (formerly Invitae), Labcorp
Classification: Uncertain significance for Catecholaminergic polymorphic ventricular tachycardia 1. Last evaluated: 2025-10-01. Review status: criteria provided, single submitter. Criteria: Invitae Variant Classification Sherloc (09022015). Collection method: clinical testing. Allele origin: germline.
Comment: This sequence change replaces glycine, which is neutral and non-polar, with arginine, which is basic and polar, at codon 702 of the RYR2 protein (p.Gly702Arg). This variant is present in population databases (rs569386030, gnomAD 0.06%). This missense change has been observed in individual(s) with dilated cardiomyopathy (PMID: 25163546). ClinVar contains an entry for this variant (Variation ID: 179430). Invitae Evidence Modeling of protein sequence and biophysical properties (such as structural, functional, and spatial information, amino acid conservation, physicochemical variation, residue mobility, and thermodynamic stability) has been performed for this missense variant. However, the output from this modeling did not meet the statistical confidence thresholds required to predict the impact of this variant on RYR2 protein function. In summary, the available evidence is currently insufficient to determine the role of this variant in disease. Therefore, it has been classified as a Variant of Uncertain Significance.

Ambry Genetics
Classification: Uncertain significance for Cardiovascular phenotype. Last evaluated: 2025-09-23. Review status: criteria provided, single submitter. Criteria: Ambry Variant Classification Scheme 2023. Collection method: clinical testing. Allele origin: germline.
Comment: The p.G702R variant (also known as c.2104G>A), located in coding exon 20 of the RYR2 gene, results from a G to A substitution at nucleotide position 2104. The glycine at codon 702 is replaced by arginine, an amino acid with dissimilar properties. This amino acid position is highly conserved in available vertebrate species. In addition, the in silico prediction for this alteration is inconclusive. Based on the available evidence, the clinical significance of this variant remains unclear.

GeneDx
Classification: Uncertain significance. Last evaluated: 2024-11-22. Review status: criteria provided, single submitter. Criteria: GeneDx Variant Classification Process June 2021. Collection method: clinical testing. Allele origin: germline. Affected: yes.
Comment: In silico analysis supports that this missense variant has a deleterious effect on protein structure/function; This variant is associated with the following publications: (PMID: 19926015, 25163546, 28404607, 35932045)

All of Us Research Program, National Institutes of Health
Classification: Uncertain significance for Catecholaminergic polymorphic ventricular tachycardia. Last evaluated: 2024-09-23. Review status: criteria provided, single submitter. Criteria: ACMG Guidelines, 2015. Collection method: clinical testing. Allele origin: germline. Inheritance: Autosomal dominant inheritance. Observed: 5 variant alleles, 5 heterozygotes.
Comment: This missense variant replaces glycine with arginine at codon 702 of the RYR2 protein. Computational prediction is inconclusive regarding the impact of this variant on protein structure and function (internally defined REVEL score threshold 0.5 < inconclusive < 0.7, PMID: 27666373). To our knowledge, functional studies have not been reported for this variant. This variant has not been reported in individuals affected with RYR2-related disorders in the literature. This variant has been identified in 17/249290 chromosomes in the general population by the Genome Aggregation Database (gnomAD). The available evidence is insufficient to determine the role of this variant in disease conclusively. Therefore, this variant is classified as a Variant of Uncertain Significance.

This study involves interpretation of variants in research participants for the purpose of population health screening. Participant phenotype was not available at the time of variant classification. Additional details can be found in publication PMID: 35346344, PMCID: PMC8962531

Color Diagnostics, LLC DBA Color Health
Classification: Uncertain significance for Cardiomyopathy. Last evaluated: 2024-05-16. Review status: criteria provided, single submitter. Criteria: ACMG Guidelines, 2015. Collection method: clinical testing. Allele origin: germline.
Comment: This missense variant replaces glycine with arginine at codon 702 of the RYR2 protein. Computational prediction is inconclusive regarding the impact of this variant on protein structure and function (internally defined REVEL score threshold 0.5 < inconclusive < 0.7, PMID: 27666373). To our knowledge, functional studies have not been reported for this variant. This variant has not been reported in individuals affected with RYR2-related disorders in the literature. This variant has been identified in 17/249290 chromosomes in the general population by the Genome Aggregation Database (gnomAD). The available evidence is insufficient to determine the role of this variant in disease conclusively. Therefore, this variant is classified as a Variant of Uncertain Significance.

Laboratory for Molecular Medicine, Mass General Brigham Personalized Medicine
Classification: Uncertain significance. Last evaluated: 2013-12-12. Review status: criteria provided, single submitter. Criteria: LMM Criteria. Collection method: clinical testing. Allele origin: germline. Observed: 1 variant allele.
Comment: The Gly702Arg variant in RYR2 has not been reported in individuals with cardiomy opathy or in large population studies. Computational analyses (biochemical amino acid properties, conservation, AlignGVGD, PolyPhen2, and SIFT) suggest that thi s variant may impact the protein, though this information is not predictive enou gh to determine pathogenicity. Additional information is needed to fully assess the clinical significance of this variant.

Literature cited by the submitters: PubMed 25163546 (cited by Labcorp Genetics (formerly Invitae), Labcorp).